The following is an entry in ClinVar:

NM_000444.6(PHEX):c.1501G>A (p.Asp501Asn)

Gene: PHEX (phosphate regulating endopeptidase X-linked; plus strand). Cytogenetic location: Xp22.11.
Variant type: single nucleotide variant.
Coding change: c.1501G>A on transcript NM_000444.6 (MANE Select); coding-DNA position 1501, G replaced by A.
Protein change: p.Asp501Asn; replaces aspartic acid 501 with asparagine.
Molecular consequence: missense variant.
Genome position (GRCh38, 1-based): chrX:22,178,291, G>A. VCF-style: chrX-22178291-G-A. GRCh37 (hg19) VCF-style: chrX-22196408-G-A.
Other names: c.1501G>A, p.Asp501Asn (NM_001282754.2); short protein forms D501N.
Identifiers: ClinVar variation 1684998 (VCV001684998.4), dbSNP rs373235530, ClinGen allele CA327528669.

ClinVar aggregate classification (germline): Uncertain significance. Review status: criteria provided, multiple submitters, no conflicts (2 of 4 stars). 2 submissions from 2 submitters: Uncertain significance (2). Last evaluated 2022-11-30.

Allele frequency attached by ClinVar (database versions not stated): gnomAD exomes below 0.00001 and 0.00001; gnomAD 0.00002; ESP Exome Variant Server 0.00009.
gnomAD v4.1: 5 of 1,193,808 alleles (0.00042%); highest among the groups gnomAD compares: African/African-American, 0.0035%; no homozygotes.

Submissions (2):

Labcorp Genetics (formerly Invitae), Labcorp
Classification: Uncertain significance. Last evaluated: 2022-11-30. Review status: criteria provided, single submitter. Criteria: Invitae Variant Classification Sherloc (09022015). Collection method: clinical testing. Allele origin: germline.
Comment: In summary, the available evidence is currently insufficient to determine the role of this variant in disease. Therefore, it has been classified as a Variant of Uncertain Significance. Advanced modeling of protein sequence and biophysical properties (such as structural, functional, and spatial information, amino acid conservation, physicochemical variation, residue mobility, and thermodynamic stability) has been performed at Invitae for this missense variant, however the output from this modeling did not meet the statistical confidence thresholds required to predict the impact of this variant on PHEX protein function. ClinVar contains an entry for this variant (Variation ID: 1684998). This variant has not been reported in the literature in individuals affected with PHEX-related conditions. This variant is present in population databases (rs373235530, gnomAD 0.008%). This sequence change replaces aspartic acid, which is acidic and polar, with asparagine, which is neutral and polar, at codon 501 of the PHEX protein (p.Asp501Asn).

Mendelics
Classification: Uncertain significance. Last evaluated: 2022-05-04. Review status: criteria provided, single submitter. Criteria: Mendelics Assertion Criteria 2019. Collection method: clinical testing. Allele origin: germline.